The following is an entry in ClinVar:

ClinVar aggregate classification (germline): Uncertain significance (1 of 4 stars; one submission).

Conditions:
Peroxisome biogenesis disorder 11A (Zellweger). Also called: Peroxisome biogenesis disorder 11A. Identifiers: Orphanet 912, MedGen C3554000, MONDO:0013949, OMIM 614883.

Submission:

Labcorp Genetics (formerly Invitae), Labcorp
Classification: Uncertain significance for Peroxisome biogenesis disorder 11A (Zellweger). Last evaluated: 2021-03-25. Review status: criteria provided, single submitter. Criteria: Invitae Variant Classification Sherloc (09022015). Collection method: clinical testing. Allele origin: germline.
Comment: In summary, the available evidence is currently insufficient to determine the role of this variant in disease. Therefore, it has been classified as a Variant of Uncertain Significance. Algorithms developed to predict the effect of missense changes on protein structure and function are either unavailable or do not agree on the potential impact of this missense change (SIFT: "Tolerated"; PolyPhen-2: "Possibly Damaging"; Align-GVGD: "Class C0"). This variant has not been reported in the literature in individuals with PEX13-related conditions. This variant is not present in population databases (ExAC no frequency). This sequence change replaces alanine with proline at codon 285 of the PEX13 protein (p.Ala285Pro). The alanine residue is highly conserved and there is a small physicochemical difference between alanine and proline.

NM_002618.4(PEX13):c.853G>C (p.Ala285Pro)

Gene: PEX13 (peroxisomal biogenesis factor 13; plus strand). Cytogenetic location: 2p15.
Variant type: single nucleotide variant.
Coding change: c.853G>C on transcript NM_002618.4 (MANE Select); coding-DNA position 853, G replaced by C.
Protein change: p.Ala285Pro; replaces alanine 285 with proline.
Molecular consequence: missense variant.
Genome position (GRCh38, 1-based): chr2:61,045,791, G>C. VCF-style: chr2-61045791-G-C. GRCh37 (hg19) VCF-style: chr2-61272926-G-C.
Other names: short protein forms A285P.
Identifiers: ClinVar variation 1381714 (VCV001381714.8), dbSNP rs2104812755, ClinGen allele CA346948573.
Genomic context (GRCh38, chr2:61,045,791, plus strand): 5'-ATCAACTGGGCAAGTGGTGAGGATGACCATGTAGTTGCCAGAGCAGAATATGATTTTGCT[G>C]CCGTATCTGAAGAAGAAATTTCTTTCCGGGCTGGTGATATGCTGAACTTAGCTCTCAAAG-3'
Protein context (NP_002609.1, residues 275-295): VVARAEYDFA[Ala285Pro]VSEEEISFRA